The following is an entry in ClinVar:

ClinVar aggregate classification (germline): Uncertain significance (1 of 4 stars; one submission).

Conditions:
Hereditary cancer-predisposing syndrome. Also called: Hereditary Cancer Syndrome; Neoplastic Syndromes, Hereditary; Tumor predisposition; Hereditary neoplastic syndrome. Identifiers: Orphanet 140162, MedGen C0027672, MeSH D009386, MONDO:0015356.

Submission:

Ambry Genetics
Classification: Uncertain significance for Hereditary cancer-predisposing syndrome. Last evaluated: 2022-01-10. Review status: criteria provided, single submitter. Criteria: Ambry Variant Classification Scheme 2023. Collection method: clinical testing. Allele origin: germline.
Comment: The p.Q1625R variant (also known as c.4874A>G), located in coding exon 37 of the POLE gene, results from an A to G substitution at nucleotide position 4874. The glutamine at codon 1625 is replaced by arginine, an amino acid with highly similar properties. This amino acid position is conserved. In addition, the in silico prediction for this alteration is inconclusive. Since supporting evidence is limited at this time, the clinical significance of this alteration remains unclear.

NM_006231.4(POLE):c.4874A>G (p.Gln1625Arg)

Gene: POLE (DNA polymerase epsilon, catalytic subunit; minus strand). Cytogenetic location: 12q24.33.
Variant type: single nucleotide variant.
Coding change: c.4874A>G on transcript NM_006231.4 (MANE Select); coding-DNA position 4874, A replaced by G.
Protein change: p.Gln1625Arg; replaces glutamine 1625 with arginine.
Molecular consequence: missense variant.
Genome position (GRCh38, 1-based): chr12:132,642,584, T>C on the plus strand (A>G on the coding strand, the complement: POLE is on the minus strand). VCF-style: chr12-132642584-T-C. GRCh37 (hg19) VCF-style: chr12-133219170-T-C.
Other names: short protein forms Q1625R.
Identifiers: ClinVar variation 1743737 (VCV001743737.2), dbSNP rs2541885735, ClinGen allele CA387378058.